The following is an entry in ClinVar:

ClinVar aggregate classification (germline): Pathogenic. Review status: criteria provided, multiple submitters, no conflicts (2 of 4 stars). 2 submissions from 2 submitters: Pathogenic (2). Last evaluated 2025-08-01.

Conditions:
Combined immunodeficiency due to MALT1 deficiency. Also called: Immunodeficiency 12. Identifiers: Orphanet 397964, MedGen C3809583, MONDO:0014197, OMIM 615468.

Submissions (2):

CeGaT Center for Human Genetics Tuebingen
Classification: Pathogenic. Last evaluated: 2025-08-01. Review status: criteria provided, single submitter. Criteria: CeGaT Center For Human Genetics Tuebingen Variant Classification Criteria Version 2. Collection method: clinical testing. Allele origin: germline. Affected: yes. Observed: 1 variant allele.
Comment: MALT1: PVS1, PM2

Labcorp Genetics (formerly Invitae), Labcorp
Classification: Pathogenic for Combined immunodeficiency due to MALT1 deficiency. Last evaluated: 2024-10-23. Review status: criteria provided, single submitter. Criteria: Invitae Variant Classification Sherloc (09022015). Collection method: clinical testing. Allele origin: germline.
Comment: This sequence change creates a premature translational stop signal (p.Thr102Serfs*6) in the MALT1 gene. It is expected to result in an absent or disrupted protein product. Loss-of-function variants in MALT1 are known to be pathogenic (PMID: 23727036, 25627829). This variant is not present in population databases (gnomAD no frequency). This variant has not been reported in the literature in individuals affected with MALT1-related conditions. For these reasons, this variant has been classified as Pathogenic.

Literature cited by the submitters: PubMed 23727036 (cited by Labcorp Genetics (formerly Invitae), Labcorp); PubMed 25627829 (cited by Labcorp Genetics (formerly Invitae), Labcorp).

NM_006785.4(MALT1):c.305_306del (p.Thr102fs)

Gene: MALT1 (MALT1 paracaspase; plus strand). Cytogenetic location: 18q21.32.
Variant type: Microsatellite.
Coding change: c.305_306del on transcript NM_006785.4 (MANE Select); coding-DNA positions 305 to 306, 2 bases deleted (CA; older notation c.305_306delCA).
Protein change: p.Thr102fs; shifts the reading frame from threonine 102.
Molecular consequence: frameshift variant.
Genome position (GRCh38, 1-based): chr18:58,681,265-58,681,266, CA deleted; deleting any 2 consecutive bases within chr18:58,681,263-58,681,266 gives the same sequence; the c. name uses the placement nearest the transcript's 3' end. VCF-style (leftmost placement, unchanged base first): chr18-58681262-GCA-G. GRCh37 (hg19) VCF-style: chr18-56348494-GCA-G.
Other names: c.305_306del, p.Thr102fs (NM_173844.3); short protein forms T102fs.
Identifiers: ClinVar variation 3723656 (VCV003723656.10).
Genomic context (GRCh38, chr18:58,681,262, plus strand): 5'-TACTGGAGCCTGAAGGAAGCCCCAGCCTGTGTCTGCTGAAGTTAATGGGTGAAAAAGGTT[GCA>G]CAGTCACAGAATTGAGTGATTTCCTGCAGGCTATGGAACACACTGAAGTTCTTCAGCTTC-3'